The following is an entry in ClinVar:

ClinVar aggregate classification (germline): Uncertain significance (1 of 4 stars; one submission).

gnomAD v4.1: 4 of 1,614,160 alleles (0.00025%); highest among the groups gnomAD compares: Non-Finnish European, 0.00034%; no homozygotes.

Submission:

Labcorp Genetics (formerly Invitae), Labcorp
Classification: Uncertain significance. Last evaluated: 2024-02-17. Review status: criteria provided, single submitter. Criteria: Invitae Variant Classification Sherloc (09022015). Collection method: clinical testing. Allele origin: germline.
Comment: This sequence change replaces glutamic acid, which is acidic and polar, with lysine, which is basic and polar, at codon 474 of the KCNQ5 protein (p.Glu474Lys). This variant is not present in population databases (gnomAD no frequency). This variant has not been reported in the literature in individuals affected with KCNQ5-related conditions. Advanced modeling of protein sequence and biophysical properties (such as structural, functional, and spatial information, amino acid conservation, physicochemical variation, residue mobility, and thermodynamic stability) performed at Invitae indicates that this missense variant is not expected to disrupt KCNQ5 protein function with a negative predictive value of 80%. In summary, the available evidence is currently insufficient to determine the role of this variant in disease. Therefore, it has been classified as a Variant of Uncertain Significance.

NM_019842.4(KCNQ5):c.1363G>A (p.Glu455Lys)

Gene: KCNQ5 (potassium voltage-gated channel subfamily Q member 5; plus strand). Cytogenetic location: 6q13.
Variant type: single nucleotide variant.
Coding change: c.1363G>A on transcript NM_019842.4 (MANE Select); coding-DNA position 1363, G replaced by A.
Protein change: p.Glu455Lys; replaces glutamic acid 455 with lysine.
Molecular consequence: missense variant. On other transcripts: intron variant (1).
Genome position (GRCh38, 1-based): chr6:73,133,536, G>A. VCF-style: chr6-73133536-G-A. GRCh37 (hg19) VCF-style: chr6-73843259-G-A.
Other names: c.1336G>A, p.Glu446Lys (NM_001160130.2); c.1393G>A, p.Glu465Lys (NM_001160132.2); c.1420G>A, p.Glu474Lys (NM_001160133.2); c.1247+9024G>A (NM_001160134.2); short protein forms E446K, E455K, E465K, E474K.
Identifiers: ClinVar variation 3623407 (VCV003623407.2).